The following is an entry in ClinVar:

NM_182925.5(FLT4):c.1021C>G (p.Pro341Ala)

Gene: FLT4 (fms related receptor tyrosine kinase 4; minus strand). Cytogenetic location: 5q35.3.
Variant type: single nucleotide variant.
Coding change: c.1021C>G on transcript NM_182925.5 (MANE Select); coding-DNA position 1021, C replaced by G.
Protein change: p.Pro341Ala; replaces proline 341 with alanine.
Molecular consequence: missense variant.
Genome position (GRCh38, 1-based): chr5:180,628,964, G>C on the plus strand (C>G on the coding strand, the complement: FLT4 is on the minus strand). VCF-style: chr5-180628964-G-C. GRCh37 (hg19) VCF-style: chr5-180055964-G-C.
Other names: c.1021C>G, p.Pro341Ala (NM_001354989.2, NM_002020.5); short protein forms P341A.
Identifiers: ClinVar variation 1700340 (VCV001700340.2), dbSNP rs780574925, ClinGen allele CA3606918.

ClinVar aggregate classification (germline): Uncertain significance (1 of 4 stars; one submission).

Allele frequency attached by ClinVar (database versions not stated): gnomAD exomes below 0.00001; TOPMed below 0.00001; ExAC 0.00001.
gnomAD v4.1: 1 of 1,612,730 alleles (0.000062%); highest among the groups gnomAD compares: Admixed American, 0.0017%; no homozygotes.

Submission:

GeneDx
Classification: Uncertain significance. Last evaluated: 2022-02-02. Review status: criteria provided, single submitter. Criteria: GeneDx Variant Classification Process June 2021. Collection method: clinical testing. Allele origin: germline. Affected: yes.
Comment: In silico analysis supports that this missense variant does not alter protein structure/function; Has not been previously published as pathogenic or benign to our knowledge